The following is an entry in ClinVar:

NM_031935.3(HMCN1):c.1697C>T (p.Ala566Val)

Gene: HMCN1 (hemicentin 1; plus strand). Cytogenetic location: 1q31.1.
Variant type: single nucleotide variant.
Coding change: c.1697C>T on transcript NM_031935.3 (MANE Select); coding-DNA position 1697, C replaced by T.
Protein change: p.Ala566Val; replaces alanine 566 with valine.
Molecular consequence: missense variant.
Genome position (GRCh38, 1-based): chr1:185,933,693, C>T. VCF-style: chr1-185933693-C-T. GRCh37 (hg19) VCF-style: chr1-185902825-C-T.
Other names: short protein forms A566V.
Identifiers: ClinVar variation 1948867 (VCV001948867.5), dbSNP rs770438607, ClinGen allele CA1291186.

ClinVar aggregate classification (germline): Uncertain significance (1 of 4 stars; one submission).

Allele frequency attached by ClinVar (database versions not stated): ExAC 0.00002.
gnomAD v4.1: 16 of 1,613,832 alleles (0.00099%); highest among the groups gnomAD compares: South Asian, 0.0022%; no homozygotes.

Submission:

Labcorp Genetics (formerly Invitae), Labcorp
Classification: Uncertain significance. Last evaluated: 2025-05-05. Review status: criteria provided, single submitter. Criteria: Invitae Variant Classification Sherloc (09022015). Collection method: clinical testing. Allele origin: germline.
Comment: This sequence change replaces alanine, which is neutral and non-polar, with valine, which is neutral and non-polar, at codon 566 of the HMCN1 protein (p.Ala566Val). This variant is present in population databases (rs770438607, gnomAD 0.006%). This variant has not been reported in the literature in individuals affected with HMCN1-related conditions. ClinVar contains an entry for this variant (Variation ID: 1948867). An algorithm developed to predict the effect of missense changes on protein structure and function outputs the following: PolyPhen-2: "Benign". The valine amino acid residue is found in multiple mammalian species, which suggests that this missense change does not adversely affect protein function. In summary, the available evidence is currently insufficient to determine the role of this variant in disease. Therefore, it has been classified as a Variant of Uncertain Significance.